The following is an entry in ClinVar:

NM_000038.6(APC):c.423-1G>T

Gene: APC (APC regulator of Wnt signaling pathway; plus strand). Cytogenetic location: 5q22.2.
Variant type: single nucleotide variant.
Coding change: c.423-1G>T on transcript NM_000038.6 (MANE Select); the canonical splice acceptor site of the intron before coding-DNA position 423, G replaced by T.
Molecular consequence: splice acceptor variant.
Genome position (GRCh38, 1-based): chr5:112,775,628, G>T. VCF-style: chr5-112775628-G-T. GRCh37 (hg19) VCF-style: chr5-112111325-G-T.
Other names: c.-613-1G>T (NM_001407470.1, NM_001407472.1, NM_001354906.2 and 1 more transcripts); c.423-1G>T (NM_001407447.1, NM_001354895.2, NM_001407456.1 and 17 more transcripts); c.453-1G>T (NM_001407446.1, NM_001354897.2, NM_001354902.2 and 1 more transcripts); c.246-1G>T (NM_001407453.1, NM_001354900.2, NM_001354901.2 and 1 more transcripts); c.348-1G>T (NM_001407451.1, NM_001354898.2, NM_001354904.2).
Identifiers: ClinVar variation 2203672 (VCV002203672.6), dbSNP rs397514031, ClinGen allele CA360617486.

ClinVar aggregate classification (germline): Pathogenic/Likely pathogenic. Review status: criteria provided, multiple submitters, no conflicts (2 of 4 stars). 3 submissions from 3 submitters: Pathogenic (2); Likely pathogenic (1). Last evaluated 2026-06-27.

Conditions:
Familial adenomatous polyposis 1 (FAP1). Also called: FAMILIAL ADENOMATOUS POLYPOSIS 1, ATTENUATED; POLYPOSIS, ADENOMATOUS INTESTINAL. Identifiers: MedGen C2713442, MONDO:0021056, OMIM 175100. Disease mechanism: loss of function.
Hereditary cancer-predisposing syndrome. Also called: Neoplastic Syndromes, Hereditary; Tumor predisposition; Hereditary neoplastic syndrome; Hereditary Cancer Syndrome. Identifiers: Orphanet 140162, MedGen C0027672, MeSH D009386, MONDO:0015356.

Submissions (3):

Ambry Genetics
Classification: Likely pathogenic for Hereditary cancer-predisposing syndrome. Last evaluated: 2026-06-27. Review status: criteria provided, single submitter. Criteria: Ambry Variant Classification Scheme 2023. Collection method: clinical testing. Allele origin: germline.
Comment: The c.423-1G>T intronic variant results from a G to T substitution one nucleotide upstream from coding exon 4 of the APC gene. This variant was reported in individual(s) with features consistent with APC-related familial adenomatous polyposis (Aretz S et al. Hum Mutat, 2004 Nov;24:370-80; Ambry internal data). RNA studies have demonstrated that this variant results in abnormal splicing with skipping of exon 4 (Aretz S et al. Hum Mutat, 2004 Nov;24:370-80). This variant is considered to be rare based on population cohorts in the Genome Aggregation Database (gnomAD). This nucleotide position is highly conserved in available vertebrate species. In silico splice site analysis predicts that this alteration will weaken the native splice acceptor site. Variants that disrupt the canonical splice site are expected to cause aberrant splicing, resulting in an abnormal protein or a transcript that is subject to nonsense-mediated mRNA decay. As such, this variant is classified as likely pathogenic.

Quest Diagnostics Nichols Institute San Juan Capistrano
Classification: Pathogenic. Last evaluated: 2022-12-22. Review status: criteria provided, single submitter. Criteria: Quest Diagnostics criteria. Collection method: clinical testing. Allele origin: unknown.
Comment: This variant disrupts a canonical splice-acceptor site and interferes with normal APC mRNA splicing. This variant has not been reported in large, multi-ethnic general populations. In the published literature, the variant has been reported in individuals with familial adenomatous polyposis (FAP) (PMID: 15459959 (2004)). Functional analysis demonstrates that this variant causes exon 4 skipping (PMID: 15459959 (2004)). Based on the available information, this variant is classified as pathogenic.

Labcorp Genetics (formerly Invitae), Labcorp
Classification: Pathogenic for Familial adenomatous polyposis 1. Last evaluated: 2022-06-15. Review status: criteria provided, single submitter. Criteria: Invitae Variant Classification Sherloc (09022015). Collection method: clinical testing. Allele origin: germline.
Comment: Studies have shown that disruption of this splice site results in skipping of exon 5 (also known as exon 4) and introduces a premature termination codon (PMID: 15459959). The resulting mRNA is expected to undergo nonsense-mediated decay. Disruption of this splice site has been observed in individuals with familial adenomatous polyposis (PMID: 10598803, 15459959). It has also been observed to segregate with disease in related individuals. This variant is not present in population databases (gnomAD no frequency). This sequence change affects an acceptor splice site in intron 4 of the APC gene. RNA analysis indicates that disruption of this splice site induces altered splicing and may result in an absent or disrupted protein product. For these reasons, this variant has been classified as Pathogenic.

Literature cited by the submitters: PubMed 15459959 (cited by 3 submitters); PubMed 10598803 (cited by Labcorp Genetics (formerly Invitae), Labcorp).